The following is an entry in ClinVar:

ClinVar aggregate classification (germline): Uncertain significance. Review status: criteria provided, multiple submitters, no conflicts (2 of 4 stars). 2 submissions from 2 submitters: Uncertain significance (2). Last evaluated 2026-04-08.

Conditions:
Dyskeratosis congenita, autosomal recessive 5 (DKCB5). Identifiers: MedGen C3554656, MONDO:0014076, OMIM 615190.
Pulmonary fibrosis and/or bone marrow failure, Telomere-related, 3. Also called: PULMONARY FIBROSIS AND/OR BONE MARROW FAILURE SYNDROME, TELOMERE-RELATED, 3. Identifiers: Orphanet 2032, MedGen C4225346, MONDO:0014613, OMIM 616373.
Inborn genetic diseases. Identifiers: MedGen C0950123, MeSH D030342.

Allele frequency attached by ClinVar (database versions not stated): gnomAD exomes below 0.00001.

Submissions (2):

Ambry Genetics
Classification: Uncertain significance for Inborn genetic diseases. Last evaluated: 2026-04-08. Review status: criteria provided, single submitter. Criteria: Ambry Variant Classification Scheme 2023. Collection method: clinical testing. Allele origin: germline.

Labcorp Genetics (formerly Invitae), Labcorp
Classification: Uncertain significance for Dyskeratosis congenita, autosomal recessive 5; Pulmonary fibrosis and/or bone marrow failure, Telomere-related, 3. Last evaluated: 2026-01-13. Review status: criteria provided, single submitter. Criteria: Invitae Variant Classification Sherloc (09022015). Collection method: clinical testing. Allele origin: germline.
Comment: This sequence change replaces proline, which is neutral and non-polar, with alanine, which is neutral and non-polar, at codon 725 of the RTEL1 protein (p.Pro725Ala). This variant is present in population databases (no rsID available, gnomAD 0.003%). This variant has not been reported in the literature in individuals affected with RTEL1-related conditions. ClinVar contains an entry for this variant (Variation ID: 2606965). An algorithm developed to predict the effect of missense changes on protein structure and function (PolyPhen-2) suggests that this variant is likely to be disruptive. In summary, the available evidence is currently insufficient to determine the role of this variant in disease. Therefore, it has been classified as a Variant of Uncertain Significance.

NM_001283009.2(RTEL1):c.2173C>G (p.Pro725Ala)

Genes: RTEL1 (regulator of telomere elongation helicase 1; plus strand), RTEL1-TNFRSF6B (RTEL1-TNFRSF6B readthrough (NMD candidate); plus strand). Cytogenetic location: 20q13.33.
Variant type: single nucleotide variant.
Coding change: c.2173C>G on transcript NM_001283009.2 (MANE Select); coding-DNA position 2173, C replaced by G.
Protein change: p.Pro725Ala; replaces proline 725 with alanine.
Molecular consequence: missense variant. On other transcripts: non-coding transcript variant (1).
Genome position (GRCh38, 1-based): chr20:63,690,118, C>G. VCF-style: chr20-63690118-C-G. GRCh37 (hg19) VCF-style: chr20-62321471-C-G.
Other names: c.1504C>G, p.Pro502Ala (NM_001283010.1); c.2173C>G, p.Pro725Ala (NM_016434.4); c.2245C>G, p.Pro749Ala (NM_032957.5); short protein forms P502A, P725A, P749A.
Identifiers: ClinVar variation 2606965 (VCV002606965.4), dbSNP rs769009037, ClinGen allele CA409679687.